The following is an entry in ClinVar:

ClinVar aggregate classification (germline): Pathogenic (1 of 4 stars; one submission).

Conditions:
Inherited breast cancer and ovarian cancer.

Submission:

Cambridge Genomics Laboratory, East Genomic Laboratory Hub, NHS Genomic Medicine Service
Classification: Pathogenic for Inherited breast cancer and ovarian cancer. Last evaluated: 2025-12-18. Review status: criteria provided, single submitter. Criteria: ACGS Best Practice Guidelines for Variant Classification in Rare Disease 2020. Collection method: clinical testing. Allele origin: germline. Affected: yes.
Comment: PVS1,PM2_Supporting,PM5_Supporting

NM_000051.4(ATM):c.7193_7202del (p.Tyr2398fs)

Genes: ATM (ATM serine/threonine kinase; plus strand), C11orf65 (chromosome 11 open reading frame 65; minus strand). Cytogenetic location: 11q22.3.
Variant type: Deletion.
Coding change: c.7193_7202del on transcript NM_000051.4 (MANE Select); coding-DNA positions 7193 to 7202, 10 bases deleted (ACCAAAGAAT; older notation c.7193_7202delACCAAAGAAT).
Protein change: p.Tyr2398fs; shifts the reading frame from tyrosine 2398.
Molecular consequence: frameshift variant. On other transcripts: intron variant (2).
Genome position (GRCh38, 1-based): chr11:108,329,124-108,329,133, ACCAAAGAAT deleted; deleting any 10 consecutive bases within chr11:108,329,121-108,329,133 gives the same sequence; the c. name uses the placement nearest the transcript's 3' end. VCF-style (leftmost placement, unchanged base first): chr11-108329120-CAATACCAAAG-C. GRCh37 (hg19) VCF-style: chr11-108199847-CAATACCAAAG-C.
Other names: c.7193_7202del, p.Tyr2398fs (NM_001351834.2); c.641-20059_641-20050del (NM_001330368.2); c.*38+6090_*38+6099del (NM_001351110.2); short protein forms Y2398fs.
Identifiers: ClinVar variation 4540631 (VCV004540631.1).